The following is an entry in ClinVar:

NM_003924.4(PHOX2B):c.234C>T (p.Tyr78=)

Genes: PHOX2B (paired like homeobox 2B; minus strand), PHOX2B-AS1 (PHOX2B antisense RNA 1; plus strand). Cytogenetic location: 4p13.
Variant type: single nucleotide variant.
Coding change: c.234C>T on transcript NM_003924.4 (MANE Select); coding-DNA position 234, C replaced by T.
Protein change: p.Tyr78=; no amino-acid change (tyrosine 78 retained).
Molecular consequence: synonymous variant.
Genome position (GRCh38, 1-based): chr4:41,748,377, G>A on the plus strand (C>T on the coding strand, the complement: PHOX2B is on the minus strand). VCF-style: chr4-41748377-G-A. GRCh37 (hg19) VCF-style: chr4-41750394-G-A.
Identifiers: ClinVar variation 239587 (VCV000239587.46), dbSNP rs73810366, ClinGen allele CA2901595.

ClinVar aggregate classification (germline): Benign/Likely benign. Review status: criteria provided, multiple submitters, no conflicts (2 of 4 stars). 14 submissions from 13 submitters: Benign (9); Likely benign (4). 1 of the submissions does not count toward it. Last evaluated 2026-08-01.

Conditions:
Hereditary cancer-predisposing syndrome. Also called: Tumor predisposition; Hereditary neoplastic syndrome; Neoplastic Syndromes, Hereditary; Hereditary Cancer Syndrome. Identifiers: Orphanet 140162, MedGen C0027672, MeSH D009386, MONDO:0015356.
Haddad syndrome (OHD). Also called: Ondine-Hirschsprung disease. Identifiers: Orphanet 99803, MedGen C1859049, MONDO:0020493.
Neuroblastoma, susceptibility to, 2. Identifiers: Orphanet 635, MedGen C2751682, MONDO:0700041, OMIM 613013.
Congenital central hypoventilation. Also called: Congenital Central Hypoventilation Syndrome. Identifiers: Orphanet 661, Orphanet 99803, MedGen C1275808, MONDO:0800031. Disease mechanism: gain of function.

Allele frequency attached by ClinVar (database versions not stated): gnomAD exomes 0.00031 and 0.00085; ExAC 0.00094; gnomAD 0.00344 and 0.00361; ESP Exome Variant Server 0.00377; TOPMed 0.00395; 1000 Genomes Project 0.00439; 1000 Genomes Project 30x 0.00484.
gnomAD v4.1: 982 of 1,614,146 alleles (0.061%); highest among the groups gnomAD compares: African/African-American, 1.2%; 5 homozygotes.

Submissions (14):

CeGaT Center for Human Genetics Tuebingen
Classification: Likely benign. Last evaluated: 2026-08-01. Review status: criteria provided, single submitter. Criteria: CeGaT Center For Human Genetics Tuebingen Variant Classification Criteria Version 2. Collection method: clinical testing. Allele origin: germline. Affected: yes. Observed: 2 variant alleles.
Comment: PHOX2B-AS1: BS1; PHOX2B: BP4, BP7, BS1

Labcorp Genetics (formerly Invitae), Labcorp
Classification: Benign for Haddad syndrome. Last evaluated: 2026-01-20. Review status: criteria provided, single submitter. Criteria: Invitae Variant Classification Sherloc (09022015). Collection method: clinical testing. Allele origin: germline.

Blueprint Genetics
Classification: Likely benign. Last evaluated: 2024-11-25. Review status: criteria provided, single submitter. Criteria: ACMG Guidelines, 2015. Collection method: clinical testing. Allele origin: germline.

KCCC/NGS Laboratory, Kuwait Cancer Control Center
Classification: Benign for Neuroblastoma, susceptibility to, 2. Last evaluated: 2023-07-07. Review status: criteria provided, single submitter. Criteria: ACMG Guidelines, 2015. Collection method: clinical testing. Allele origin: germline. Affected: yes.

Sema4
Classification: Benign for Hereditary cancer-predisposing syndrome. Last evaluated: 2021-02-24. Review status: criteria provided, single submitter. Criteria: Sema4 Curation Guidelines. Collection method: curation. Allele origin: germline.

Illumina Laboratory Services, Illumina
Classification: Benign for Neuroblastoma, susceptibility to, 2. Last evaluated: 2018-01-12. Review status: criteria provided, single submitter. Criteria: ICSL Variant Classification Criteria 13 December 2019. Collection method: clinical testing. Allele origin: germline.
Comment: This variant was observed in the ICSL laboratory as part of a predisposition screen in an ostensibly healthy population. It had not been previously curated by ICSL or reported in the Human Gene Mutation Database (HGMD: prior to June 1st, 2018), and was therefore a candidate for classification through an automated scoring system. Utilizing variant allele frequency, disease prevalence and penetrance estimates, and inheritance mode, an automated score was calculated to assess if this variant is too frequent to cause the disease. Based on the score and internal cut-off values, a variant classified as benign is not then subjected to further curation. The score for this variant resulted in a classification of benign for this disease.

Illumina Laboratory Services, Illumina
Classification: Benign for Central hypoventilation syndrome, congenital, 1, with or without Hirschsprung disease. Last evaluated: 2018-01-12. Review status: criteria provided, single submitter. Criteria: ICSL Variant Classification Criteria 13 December 2019. Collection method: clinical testing. Allele origin: germline.
Comment: the same text as in the submission from Illumina Laboratory Services, Illumina above.

GeneDx
Classification: Likely benign. Last evaluated: 2017-11-24. Review status: criteria provided, single submitter. Criteria: GeneDx Variant Classification (06012015). Collection method: clinical testing. Allele origin: germline. Affected: yes.
Comment: This variant is considered likely benign or benign based on one or more of the following criteria: it is a conservative change, it occurs at a poorly conserved position in the protein, it is predicted to be benign by multiple in silico algorithms, and/or has population frequency not consistent with disease.

Ambry Genetics
Classification: Benign for Hereditary cancer-predisposing syndrome. Last evaluated: 2017-02-13. Review status: criteria provided, single submitter. Criteria: Ambry Variant Classification Scheme 2023. Collection method: clinical testing. Allele origin: germline.

Women's Health and Genetics/Laboratory Corporation of America, LabCorp
Classification: Benign. Last evaluated: 2016-05-17. Review status: criteria provided, single submitter. Criteria: LabCorp Variant Classification Summary - May 2015. Collection method: clinical testing. Allele origin: germline.
Comment: Variant summary: The PHOX2B c.234C>T (p.Tyr78Tyr) variant involves the alteration of a conserved nucleotide, resulting in a synonymous change. MutationTaster predicts a damaging outcome for this variant. 5/5 splice prediction tools predict the variant not to affect normal splicing. This variant was found in 114/120758 control chromosomes, predominantly observed in the African subpopulation at a frequency of 0.0101498 (103/10148). This frequency is about 12180 times the estimated maximal expected allele frequency of a pathogenic PHOX2B variant (0.0000008), highly suggesting this is a benign polymorphism found primarily in the populations of African origin. Taken together, this variant is classified as Benign.

Laboratory for Molecular Medicine, Mass General Brigham Personalized Medicine
Classification: Benign. Last evaluated: 2013-02-21. Review status: criteria provided, single submitter. Criteria: LMM Criteria. Collection method: clinical testing. Allele origin: germline. Observed: 1 variant allele.
Comment: Tyr78Tyr in exon 1 of PHOX2B: This variant is not expected to have clinical sign ificance because it does not alter an amino acid residue and is not located with in the splice consensus sequence. It has been identified in 1.1% (49/4406) of Af rican American chromosomes from a broad population by the NHLBI Exome Sequencing Project (dbSNP rs73810366).

Breakthrough Genomics
Classification: Likely benign. Review status: criteria provided, single submitter. Criteria: ACMG Guidelines, 2015. Collection method: not provided. Allele origin: germline. Inheritance: Autosomal dominant inheritance. Affected: yes.

PreventionGenetics, part of Exact Sciences
Classification: Benign. Review status: criteria provided, single submitter. Criteria: ACMG Guidelines, 2015. Collection method: clinical testing. Allele origin: germline.

Genetic Services Laboratory, University of Chicago
Classification: Benign. Last evaluated: 2022-07-28. Review status: no assertion criteria provided. Collection method: clinical testing. Allele origin: germline. Affected: no. Not counted in ClinVar's aggregate classification.